The following is an entry in ClinVar:

ClinVar aggregate classification (germline): Benign/Likely benign. Review status: criteria provided, multiple submitters, no conflicts (2 of 4 stars). 3 submissions from 3 submitters: Benign (2); Likely benign (1). Last evaluated 2025-11-23.

Allele frequency attached by ClinVar (database versions not stated): TOPMed 0.00005; gnomAD 0.00007; gnomAD exomes 0.00013; 1000 Genomes Project 0.00020; 1000 Genomes Project 30x 0.00062; ExAC 0.00112.
gnomAD v4.1: 192 of 1,564,110 alleles (0.012%); highest among the groups gnomAD compares: South Asian, 0.14%; 1 homozygote.

Submissions (3):

Labcorp Genetics (formerly Invitae), Labcorp
Classification: Likely benign. Last evaluated: 2025-11-23. Review status: criteria provided, single submitter. Criteria: Invitae Variant Classification Sherloc (09022015). Collection method: clinical testing. Allele origin: germline.

CeGaT Center for Human Genetics Tuebingen
Classification: Benign. Last evaluated: 2025-11-01. Review status: criteria provided, single submitter. Criteria: CeGaT Center For Human Genetics Tuebingen Variant Classification Criteria Version 2. Collection method: clinical testing. Allele origin: germline. Affected: yes. Observed: 1 variant allele.
Comment: DVL1: BS1, BS2

Blueprint Genetics
Classification: Benign. Last evaluated: 2024-11-04. Review status: criteria provided, single submitter. Criteria: ACMG Guidelines, 2015. Collection method: clinical testing. Allele origin: germline.

NM_001330311.2(DVL1):c.1948G>A (p.Ala650Thr)

Gene: DVL1 (dishevelled segment polarity protein 1; minus strand). Cytogenetic location: 1p36.33.
Variant type: single nucleotide variant.
Coding change: c.1948G>A on transcript NM_001330311.2 (MANE Select); coding-DNA position 1948, G replaced by A.
Protein change: p.Ala650Thr; replaces alanine 650 with threonine.
Molecular consequence: missense variant.
Genome position (GRCh38, 1-based): chr1:1,336,282, C>T on the plus strand (G>A on the coding strand, the complement: DVL1 is on the minus strand). VCF-style: chr1-1336282-C-T. GRCh37 (hg19) VCF-style: chr1-1271662-C-T.
Other names: c.1873G>A, p.Ala625Thr (NM_004421.3); short protein forms A650T, A625T.
Identifiers: ClinVar variation 2183763 (VCV002183763.11), dbSNP rs551930213, ClinGen allele CA519762.